The following is an entry in ClinVar:

ClinVar aggregate classification (germline): Uncertain significance (1 of 4 stars; one submission).

Conditions:
Baller-Gerold syndrome (BGS). Also called: CRANIOSYNOSTOSIS WITH RADIAL DEFECTS. Identifiers: Orphanet 1225, MedGen C0265308, MONDO:0009039, OMIM 218600.

Submission:

Labcorp Genetics (formerly Invitae), Labcorp
Classification: Uncertain significance for Baller-Gerold syndrome. Last evaluated: 2023-10-17. Review status: criteria provided, single submitter. Criteria: Invitae Variant Classification Sherloc (09022015). Collection method: clinical testing. Allele origin: germline.
Comment: This sequence change replaces tryptophan, which is neutral and slightly polar, with cysteine, which is neutral and slightly polar, at codon 934 of the RECQL4 protein (p.Trp934Cys). This variant is not present in population databases (gnomAD no frequency). This variant has not been reported in the literature in individuals affected with RECQL4-related conditions. Advanced modeling of protein sequence and biophysical properties (such as structural, functional, and spatial information, amino acid conservation, physicochemical variation, residue mobility, and thermodynamic stability) performed at Invitae indicates that this missense variant is not expected to disrupt RECQL4 protein function. In summary, the available evidence is currently insufficient to determine the role of this variant in disease. Therefore, it has been classified as a Variant of Uncertain Significance.

NM_004260.4(RECQL4):c.2802G>C (p.Trp934Cys)

Gene: RECQL4 (RecQ like helicase 4; minus strand). Cytogenetic location: 8q24.3.
Variant type: single nucleotide variant.
Coding change: c.2802G>C on transcript NM_004260.4 (MANE Select); coding-DNA position 2802, G replaced by C.
Protein change: p.Trp934Cys; replaces tryptophan 934 with cysteine.
Molecular consequence: missense variant. On other transcripts: non-coding transcript variant (3).
Genome position (GRCh38, 1-based): chr8:144,512,725, C>G on the plus strand (G>C on the coding strand, the complement: RECQL4 is on the minus strand). VCF-style: chr8-144512725-C-G. GRCh37 (hg19) VCF-style: chr8-145738108-C-G.
Other names: c.2508G>C, p.Trp836Cys (NM_001413017.1); c.2604G>C, p.Trp868Cys (NM_001413018.1); c.2877G>C, p.Trp959Cys (NM_001413019.1); c.2706G>C, p.Trp902Cys (NM_001413020.1); c.1740G>C, p.Trp580Cys (NM_001413041.1); c.1701G>C, p.Trp567Cys (NM_001413042.1); c.1335G>C, p.Trp445Cys (NM_001413043.1); c.1731G>C, p.Trp577Cys (NM_001413021.1, NM_001413022.1, NM_001413024.1 and 4 more transcripts); and 9 more; short protein forms W567C, W817C, W902C, W959C, W577C, W602C, W836C, W891C.
Identifiers: ClinVar variation 2732521 (VCV002732521.3), dbSNP rs1827483654, ClinGen allele CA372674361.